The following is an entry in ClinVar:

NM_003998.4(NFKB1):c.965T>C (p.Ile322Thr)

Gene: NFKB1 (nuclear factor kappa B subunit 1; plus strand). Cytogenetic location: 4q24.
Variant type: single nucleotide variant.
Coding change: c.965T>C on transcript NM_003998.4 (MANE Select); coding-DNA position 965, T replaced by C.
Protein change: p.Ile322Thr; replaces isoleucine 322 with threonine.
Molecular consequence: missense variant.
Genome position (GRCh38, 1-based): chr4:102,584,719, T>C. VCF-style: chr4-102584719-T-C. GRCh37 (hg19) VCF-style: chr4-103505876-T-C.
Other names: c.962T>C, p.Ile321Thr (NM_001165412.2, NM_001319226.2, NM_001382627.1); c.965T>C, p.Ile322Thr (NM_001382625.1, NM_001382626.1); c.923T>C, p.Ile308Thr (NM_001382628.1); short protein forms I321T, I308T, I322T.
Identifiers: ClinVar variation 2988275 (VCV002988275.3), dbSNP rs759894336, ClinGen allele CA3026030.
Genomic context (GRCh38, chr4:102,584,719, plus strand): 5'-ATGTGGTTCTTCGTATCCTGCAGTTTGCCATTGTCTTCAAAACTCCAAAGTATAAAGATA[T>C]TAATATTACAAAACCAGCCTCTGTGTTTGTCCAGCTTCGGAGGAAATCTGACTTGGAAAC-3'
Protein context (NP_003989.2, residues 312-332): IVFKTPKYKD[Ile322Thr]NITKPASVFV

ClinVar aggregate classification (germline): Uncertain significance (1 of 4 stars; one submission).

Allele frequency attached by ClinVar (database versions not stated): ExAC 0.00001; gnomAD 0.00001; TOPMed 0.00001; gnomAD exomes 0.00003.

Submission:

Labcorp Genetics (formerly Invitae), Labcorp
Classification: Uncertain significance. Last evaluated: 2025-12-24. Review status: criteria provided, single submitter. Criteria: Invitae Variant Classification Sherloc (09022015). Collection method: clinical testing. Allele origin: germline.
Comment: This sequence change replaces isoleucine, which is neutral and non-polar, with threonine, which is neutral and polar, at codon 322 of the NFKB1 protein (p.Ile322Thr). This variant is present in population databases (rs759894336, gnomAD 0.007%). This variant has not been reported in the literature in individuals affected with NFKB1-related conditions. ClinVar contains an entry for this variant (Variation ID: 2988275). Invitae Evidence Modeling of protein sequence and biophysical properties (such as structural, functional, and spatial information, amino acid conservation, physicochemical variation, residue mobility, and thermodynamic stability) indicates that this missense variant is not expected to disrupt NFKB1 protein function with a negative predictive value of 80%. Experimental studies have shown that this missense change does not substantially affect NFKB1 function (PMID: 36105815). In summary, the available evidence is currently insufficient to determine the role of this variant in disease. Therefore, it has been classified as a Variant of Uncertain Significance.

Literature cited by the submitters: PubMed 36105815.